The following is an entry in ClinVar:

ClinVar aggregate classification (germline): Conflicting classifications of pathogenicity. Review status: criteria provided, conflicting classifications (1 of 4 stars). 7 submissions from 7 submitters: Uncertain significance (2); Likely benign (3). 2 of the submissions do not count toward it. Last evaluated 2026-01-25.

Conditions:
GRN-related disorder. Also called: GRN-related condition; GRN-related disorders.
Inborn genetic diseases. Identifiers: MedGen C0950123, MeSH D030342.
GRN-related frontotemporal lobar degeneration with Tdp43 inclusions (FTD2). Also called: GRN Frontotemporal Dementia; FRONTOTEMPORAL LOBAR DEGENERATION WITH UBIQUITIN-POSITIVE INCLUSIONS; FTLD-TDP, GRN-RELATED; FRONTOTEMPORAL DEMENTIA WITH TDP43 INCLUSIONS, GRN-RELATED; DEMENTIA, HEREDITARY DYSPHASIC DISINHIBITION. Identifiers: Orphanet 100070, Orphanet 282, MedGen C1843792, MONDO:0011842, OMIM 607485. Disease mechanism: loss of function.
Neuronal ceroid lipofuscinosis 11. Also called: GRN-Related Neuronal Ceroid-Lipofuscinosis. Identifiers: Orphanet 314629, Orphanet 79262, MedGen C3539123, MONDO:0013866, OMIM 614706.

Allele frequency attached by ClinVar (database versions not stated): gnomAD 0.00002 and 0.00003; gnomAD exomes 0.00002 and 0.00006; ExAC 0.00004; TOPMed 0.00004.

Submissions (7):

Labcorp Genetics (formerly Invitae), Labcorp
Classification: Uncertain significance for Neuronal ceroid lipofuscinosis 11; GRN-related frontotemporal lobar degeneration with Tdp43 inclusions. Last evaluated: 2026-01-25. Review status: criteria provided, single submitter. Criteria: Invitae Variant Classification Sherloc (09022015). Collection method: clinical testing. Allele origin: germline.
Comment: This sequence change replaces valine, which is neutral and non-polar, with isoleucine, which is neutral and non-polar, at codon 141 of the GRN protein (p.Val141Ile). This variant is present in population databases (rs63749853, gnomAD 0.01%). This missense change has been observed in individual(s) with clinical features of GRN-related conditions (PMID: 17371905, 22312439, 35531120). ClinVar contains an entry for this variant (Variation ID: 98140). Invitae Evidence Modeling of protein sequence and biophysical properties (such as structural, functional, and spatial information, amino acid conservation, physicochemical variation, residue mobility, and thermodynamic stability) indicates that this missense variant is not expected to disrupt GRN protein function with a negative predictive value of 80%. In summary, the available evidence is currently insufficient to determine the role of this variant in disease. Therefore, it has been classified as a Variant of Uncertain Significance.

GeneDx
Classification: Uncertain significance. Last evaluated: 2025-02-08. Review status: criteria provided, single submitter. Criteria: GeneDx Variant Classification Process June 2021. Collection method: clinical testing. Allele origin: germline. Affected: yes.
Comment: Reported in the heterozygous state in a patient with ataxia and parkinsonism in published literature (PMID: 35531120); In silico analysis indicates that this missense variant does not alter protein structure/function; This variant is associated with the following publications: (PMID: 17371905, 22312439, 35531120)

CeGaT Center for Human Genetics Tuebingen
Classification: Likely benign. Last evaluated: 2022-06-01. Review status: criteria provided, single submitter. Criteria: CeGaT Center For Human Genetics Tuebingen Variant Classification Criteria Version 2. Collection method: clinical testing. Allele origin: germline. Affected: yes. Observed: 1 variant allele.
Comment: GRN: BP4

Athena Diagnostics
Classification: Likely benign. Last evaluated: 2018-02-28. Review status: criteria provided, single submitter. Criteria: Athena Diagnostics Criteria. Collection method: clinical testing. Allele origin: germline.

Ambry Genetics
Classification: Likely benign for Inborn genetic diseases. Last evaluated: 2017-06-15. Review status: criteria provided, single submitter. Criteria: Ambry Variant Classification Scheme 2023. Collection method: clinical testing. Allele origin: germline.

PreventionGenetics, part of Exact Sciences
Classification: Uncertain significance for GRN-related condition. Last evaluated: 2024-06-16. Review status: no assertion criteria provided. Collection method: clinical testing. Allele origin: germline. Not counted in ClinVar's aggregate classification.
Comment: The GRN c.421G>A variant is predicted to result in the amino acid substitution p.Val141Ile. This variant was reported in the heterozygous state in an individual with frontotemporal dementia (Millar Vernetti et al 2022. PubMed ID: 35531120). This variant is reported in 0.012% of alleles in individuals of Latino descent in gnomAD. At this time, the clinical significance of this variant is uncertain due to the absence of conclusive functional and genetic evidence.

VIB  Department of Molecular Genetics, University of Antwerp
No classification provided. Review status: no classification provided. Collection method: not provided. Allele origin: unknown. Not counted in ClinVar's aggregate classification.

Literature cited by the submitters: PubMed 17371905 (cited by Labcorp Genetics (formerly Invitae), Labcorp and Athena Diagnostics); PubMed 22312439 (cited by Labcorp Genetics (formerly Invitae), Labcorp and Athena Diagnostics); PubMed 35531120 (cited by Labcorp Genetics (formerly Invitae), Labcorp); PubMed 12459547 (cited by Ambry Genetics); PubMed 18359860 (cited by Ambry Genetics); PubMed 23770887 (cited by Ambry Genetics); PubMed 25715738 (cited by Ambry Genetics); PubMed 26460020 (cited by Ambry Genetics).

NM_002087.4(GRN):c.421G>A (p.Val141Ile)

Gene: GRN (granulin precursor; plus strand). Cytogenetic location: 17q21.31.
Variant type: single nucleotide variant.
Coding change: c.421G>A on transcript NM_002087.4 (MANE Select); coding-DNA position 421, G replaced by A.
Protein change: p.Val141Ile; replaces valine 141 with isoleucine.
Molecular consequence: missense variant.
Genome position (GRCh38, 1-based): chr17:44,350,299, G>A. VCF-style: chr17-44350299-G-A. GRCh37 (hg19) VCF-style: chr17-42427667-G-A.
Other names: c.421G>A (NM_002087.3); short protein forms V141I.
Identifiers: ClinVar variation 98140 (VCV000098140.34), dbSNP rs63749853, ClinGen allele CA225246.